The following is an entry in ClinVar:

ClinVar aggregate classification (germline): Likely benign. Review status: criteria provided, multiple submitters, no conflicts (2 of 4 stars). 2 submissions from 2 submitters: Likely benign (2). Last evaluated 2025-04-03.

Allele frequency attached by ClinVar (database versions not stated): gnomAD exomes below 0.00001 and 0.00003; TOPMed 0.00001; gnomAD 0.00003 and 0.00004.
gnomAD v4.1: 51 of 1,611,746 alleles (0.0032%); highest among the groups gnomAD compares: Non-Finnish European, 0.0042%; no homozygotes.

Submissions (2):

Women's Health and Genetics/Laboratory Corporation of America, LabCorp
Classification: Likely benign. Last evaluated: 2025-04-03. Review status: criteria provided, single submitter. Criteria: LabCorp Variant Classification Summary - May 2015. Collection method: clinical testing. Allele origin: germline.
Comment: Variant summary: C3 c.1687-15C>T alters a nucleotide located at a position not widely known to affect splicing. Consensus agreement among computation tools predict no significant impact on normal splicing. However, these predictions have yet to be confirmed by functional studies. The variant allele was found at a frequency of 4e-06 in 250598 control chromosomes (gnomAD). The available data on variant occurrences in the general population are insufficient to allow any conclusion about variant significance. To our knowledge, no occurrence of c.1687-15C>T in individuals affected with &phenotype& and no experimental evidence demonstrating its impact on protein function have been reported. ClinVar contains an entry for this variant (Variation ID: 1649940). Based on the evidence outlined above, the variant was classified as likely benign.

Labcorp Genetics (formerly Invitae), Labcorp
Classification: Likely benign. Last evaluated: 2024-11-12. Review status: criteria provided, single submitter. Criteria: Invitae Variant Classification Sherloc (09022015). Collection method: clinical testing. Allele origin: germline.

NM_000064.4(C3):c.1687-15C>T

Gene: C3 (complement C3; minus strand). Cytogenetic location: 19p13.3.
Variant type: single nucleotide variant.
Coding change: c.1687-15C>T on transcript NM_000064.4 (MANE Select); 15 bases into the intron before coding-DNA position 1687, C replaced by T.
Molecular consequence: intron variant.
Genome position (GRCh38, 1-based): chr19:6,709,857, G>A on the plus strand (C>T on the coding strand, the complement: C3 is on the minus strand). VCF-style: chr19-6709857-G-A. GRCh37 (hg19) VCF-style: chr19-6709868-G-A.
Identifiers: ClinVar variation 1649940 (VCV001649940.10), dbSNP rs994399749, ClinGen allele CA304794618.